The following is an entry in ClinVar:

ClinVar aggregate classification (germline): Uncertain significance. Review status: criteria provided, multiple submitters, no conflicts (2 of 4 stars). 2 submissions from 2 submitters: Uncertain significance (2). Last evaluated 2021-09-17.

Conditions:
Combined oxidative phosphorylation deficiency 36 (COXPD36). Identifiers: MedGen C4693722, MONDO:0054781, OMIM 617950.

Allele frequency attached by ClinVar (database versions not stated): TOPMed below 0.00001.

Submissions (2):

Ambry Genetics
Classification: Uncertain significance. Last evaluated: 2021-09-17. Review status: criteria provided, single submitter. Criteria: Ambry Variant Classification Scheme 2023. Collection method: clinical testing. Allele origin: germline.

Baylor Genetics
Classification: Uncertain significance for Combined oxidative phosphorylation deficiency 36. Last evaluated: 2019-03-21. Review status: criteria provided, single submitter. Criteria: ACMG Guidelines, 2015. Collection method: clinical testing. Allele origin: unknown. Affected: yes.
Comment: This variant was determined to be of uncertain significance according to ACMG Guidelines, 2015 [PMID:25741868].

NM_016034.5(MRPS2):c.862C>A (p.Pro288Thr)

Genes: MRPS2 (mitochondrial ribosomal protein S2; plus strand), LOC101928525 (uncharacterized LOC101928525; minus strand). Cytogenetic location: 9q34.3.
Variant type: single nucleotide variant.
Coding change: c.862C>A on transcript NM_016034.5 (MANE Select); coding-DNA position 862, C replaced by A.
Protein change: p.Pro288Thr; replaces proline 288 with threonine.
Molecular consequence: missense variant. On other transcripts: non-coding transcript variant (4).
Genome position (GRCh38, 1-based): chr9:135,504,104, C>A. VCF-style: chr9-135504104-C-A. GRCh37 (hg19) VCF-style: chr9-138395950-C-A.
Other names: c.862C>A, p.Pro288Thr (NM_001371401.1); c.862C>A (NM_016034.3); short protein forms P288T.
Identifiers: ClinVar variation 1029573 (VCV001029573.3), dbSNP rs1831230615, ClinGen allele CA375486111.